The following is an entry in ClinVar:

ClinVar aggregate classification (germline): Uncertain significance (0 of 4 stars; one submission).

Conditions:
NOTCH2-related disorder. Also called: NOTCH2-related condition.

Submission:

PreventionGenetics, part of Exact Sciences
Classification: Uncertain significance for NOTCH2-related condition. Last evaluated: 2024-07-18. Review status: no assertion criteria provided. Collection method: clinical testing. Allele origin: germline.
Comment: The NOTCH2 c.7331C>A variant is predicted to result in the amino acid substitution p.Thr2444Asn. To our knowledge, this variant has not been reported in the literature or in a large population database, indicating this variant is rare. At this time, the clinical significance of this variant is uncertain due to the absence of conclusive functional and genetic evidence.

NM_024408.4(NOTCH2):c.7331C>A (p.Thr2444Asn)

Gene: NOTCH2 (notch receptor 2; minus strand). Cytogenetic location: 1p12.
Variant type: single nucleotide variant.
Coding change: c.7331C>A on transcript NM_024408.4 (MANE Select); coding-DNA position 7331, C replaced by A.
Protein change: p.Thr2444Asn; replaces threonine 2444 with asparagine.
Molecular consequence: missense variant.
Genome position (GRCh38, 1-based): chr1:119,915,391, G>T on the plus strand (C>A on the coding strand, the complement: NOTCH2 is on the minus strand). VCF-style: chr1-119915391-G-T. GRCh37 (hg19) VCF-style: chr1-120458014-G-T.
Other names: short protein forms T2444N.
Identifiers: ClinVar variation 3344159 (VCV003344159.1).